The following is an entry in ClinVar:

NM_005499.3(UBA2):c.357_358del (p.Arg119fs)

Gene: UBA2 (ubiquitin like modifier activating enzyme 2; plus strand). Cytogenetic location: 19q13.11.
Variant type: Microsatellite.
Coding change: c.357_358del on transcript NM_005499.3 (MANE Select); coding-DNA positions 357 to 358, 2 bases deleted (AG; older notation c.357_358delAG).
Protein change: p.Arg119fs; shifts the reading frame from arginine 119.
Molecular consequence: frameshift variant.
Genome position (GRCh38, 1-based): chr19:34,433,411-34,433,412, AG deleted; deleting any 2 consecutive bases within chr19:34,433,409-34,433,412 gives the same sequence; the c. name uses the placement nearest the transcript's 3' end. VCF-style (leftmost placement, unchanged base first): chr19-34433408-CAG-C. GRCh37 (hg19) VCF-style: chr19-34924313-CAG-C.
Other names: c.69_70del, p.Arg23fs (NM_001411139.1); short protein forms R119fs, R23fs.
Identifiers: ClinVar variation 4527602 (VCV004527602.1).
Genomic context (GRCh38, chr19:34,433,408, plus strand): 5'-CCCTGACTATAATGTGGAATTTTTCCGACAGTTTATACTGGTTATGAATGCTTTAGATAA[CAG>C]AGGTGAGGTTATTTTAATACTTTTAATTTCTCAGTATTTCCTCTCTCCCATATCAAATTT-3'

ClinVar aggregate classification (germline): Likely pathogenic (1 of 4 stars; one submission).

Submission:

GeneDx
Classification: Likely pathogenic. Last evaluated: 2025-04-23. Review status: criteria provided, single submitter. Criteria: GeneDx Variant Classification Process June 2021. Collection method: clinical testing. Allele origin: germline. Affected: yes.
Comment: Frameshift variant predicted to result in protein truncation or nonsense mediated decay in a gene for which loss of function is a known mechanism of disease; Not observed at significant frequency in large population cohorts (gnomAD); Has not been previously published as pathogenic or benign to our knowledge